The following is an entry in ClinVar:

NM_001382347.1(MYO5A):c.3360C>T (p.Asn1120=)

Gene: MYO5A (myosin VA; minus strand). Cytogenetic location: 15q21.2.
Variant type: single nucleotide variant.
Coding change: c.3360C>T on transcript NM_001382347.1 (MANE Select); coding-DNA position 3360, C replaced by T.
Protein change: p.Asn1120=; no amino-acid change (asparagine 1120 retained).
Molecular consequence: synonymous variant.
Genome position (GRCh38, 1-based): chr15:52,360,031, G>A on the plus strand (C>T on the coding strand, the complement: MYO5A is on the minus strand). VCF-style: chr15-52360031-G-A. GRCh37 (hg19) VCF-style: chr15-52652228-G-A.
Other names: c.3360C>T, p.Asn1120= (NM_000259.3, NM_001142495.2, NM_001411135.1); c.3432C>T, p.Asn1144= (NM_001382348.1, NM_001382349.1).
Identifiers: ClinVar variation 5039371 (VCV005039371.1).

ClinVar aggregate classification (germline): Likely benign (1 of 4 stars; one submission).

gnomAD v4.1: 6 of 1,613,742 alleles (0.00037%); highest among the groups gnomAD compares: Non-Finnish European, 0.00051%; no homozygotes.

Submission:

CeGaT Center for Human Genetics Tuebingen
Classification: Likely benign. Last evaluated: 2026-08-01. Review status: criteria provided, single submitter. Criteria: CeGaT Center For Human Genetics Tuebingen Variant Classification Criteria Version 2. Collection method: clinical testing. Allele origin: germline. Affected: yes. Observed: 1 variant allele.
Comment: MYO5A: BP4, BP7